The following is an entry in ClinVar:

ClinVar aggregate classification (germline): Uncertain significance. Review status: criteria provided, multiple submitters, no conflicts (2 of 4 stars). 2 submissions from 2 submitters: Uncertain significance (2). Last evaluated 2025-01-07.

Conditions:
Okur-Chung neurodevelopmental syndrome (OCNDS). Identifiers: Orphanet 689422, MedGen C4310739, MONDO:0014893, OMIM 617062.

Submissions (2):

Revvity Omics, Revvity
Classification: Uncertain significance for Okur-Chung neurodevelopmental syndrome. Last evaluated: 2025-01-07. Review status: criteria provided, single submitter. Criteria: ACMG Guidelines, 2015. Collection method: clinical testing. Allele origin: germline.

GeneDx
Classification: Uncertain significance. Last evaluated: 2024-08-27. Review status: criteria provided, single submitter. Criteria: GeneDx Variant Classification Process June 2021. Collection method: clinical testing. Allele origin: germline. Affected: yes.
Comment: Not observed at significant frequency in large population cohorts (gnomAD); In silico analysis supports that this missense variant has a deleterious effect on protein structure/function; Has not been previously published as pathogenic or benign to our knowledge

NM_177559.3(CSNK2A1):c.937C>T (p.Leu313Phe)

Gene: CSNK2A1 (casein kinase 2 alpha 1; minus strand). Cytogenetic location: 20p13.
Variant type: single nucleotide variant.
Coding change: c.937C>T on transcript NM_177559.3 (MANE Select); coding-DNA position 937, C replaced by T.
Protein change: p.Leu313Phe; replaces leucine 313 with phenylalanine.
Molecular consequence: missense variant.
Genome position (GRCh38, 1-based): chr20:487,463, G>A on the plus strand (C>T on the coding strand, the complement: CSNK2A1 is on the minus strand). VCF-style: chr20-487463-G-A. GRCh37 (hg19) VCF-style: chr20-468107-G-A.
Other names: c.937C>T, p.Leu313Phe (NM_001362770.2, NM_001362771.2, NM_001895.4); c.529C>T, p.Leu177Phe (NM_177560.3); short protein forms L177F, L313F.
Identifiers: ClinVar variation 3766196 (VCV003766196.2).